The following is an entry in ClinVar:

ClinVar aggregate classification (germline): Uncertain significance (1 of 4 stars; one submission).

Conditions:
Cardiovascular phenotype. Identifiers: MedGen CN230736.

Allele frequency attached by ClinVar (database versions not stated): gnomAD exomes below 0.00001; TOPMed below 0.00001; ExAC 0.00002.
gnomAD v4.1: 2 of 1,612,932 alleles (0.00012%); highest among the groups gnomAD compares: South Asian, 0.0011%; no homozygotes.

Submission:

Ambry Genetics
Classification: Uncertain significance for Cardiovascular phenotype. Last evaluated: 2023-06-12. Review status: criteria provided, single submitter. Criteria: Ambry Variant Classification Scheme 2023. Collection method: clinical testing. Allele origin: germline.
Comment: The p.T49A variant (also known as c.145A>G), located in coding exon 1 of the TECRL gene, results from an A to G substitution at nucleotide position 145. The threonine at codon 49 is replaced by alanine, an amino acid with similar properties. This amino acid position is conserved. In addition, this alteration is predicted to be tolerated by in silico analysis. Since supporting evidence is limited at this time, the clinical significance of this alteration remains unclear.

NM_001010874.5(TECRL):c.145A>G (p.Thr49Ala)

Gene: TECRL (trans-2,3-enoyl-CoA reductase like; minus strand). Cytogenetic location: 4q13.1.
Variant type: single nucleotide variant.
Coding change: c.145A>G on transcript NM_001010874.5 (MANE Select); coding-DNA position 145, A replaced by G.
Protein change: p.Thr49Ala; replaces threonine 49 with alanine.
Molecular consequence: missense variant.
Genome position (GRCh38, 1-based): chr4:64,409,207, T>C on the plus strand (A>G on the coding strand, the complement: TECRL is on the minus strand). VCF-style: chr4-64409207-T-C. GRCh37 (hg19) VCF-style: chr4-65274925-T-C.
Other names: c.145A>G, p.Thr49Ala (NM_001363796.1); short protein forms T49A.
Identifiers: ClinVar variation 2564186 (VCV002564186.2), dbSNP rs748941395, ClinGen allele CA2935686.